The following is an entry in ClinVar:

NM_006445.4(PRPF8):c.3587_3604dup (p.Arg1201_Thr1202insIleLeuProLysCysArg)

Gene: PRPF8 (pre-mRNA processing factor 8; minus strand). Cytogenetic location: 17p13.3.
Variant type: Duplication.
Coding change: c.3587_3604dup on transcript NM_006445.4 (MANE Select); coding-DNA positions 3587 to 3604, 18 bases duplicated (TCCTGCCTAAGTGCCGCA).
Protein change: p.Arg1201_Thr1202insIleLeuProLysCysArg.
Molecular consequence: inframe insertion.
Genome position (GRCh38, 1-based): chr17:1,673,410-1,673,427, TGCGGCACTTAGGCAGGA duplicated on the plus strand (TCCTGCCTAAGTGCCGCA on the coding strand, the reverse complement: PRPF8 is on the minus strand); duplicating any 18 consecutive bases within chr17:1,673,410-1,673,436 gives the same sequence; the c. name uses the placement nearest the transcript's 3' end. VCF-style (leftmost placement, unchanged base first): chr17-1673409-G-GTGCGGCACTTAGGCAGGA. GRCh37 (hg19) VCF-style: chr17-1576703-G-GTGCGGCACTTAGGCAGGA.
Identifiers: ClinVar variation 3776315 (VCV003776315.1).

ClinVar aggregate classification (germline): Uncertain significance (1 of 4 stars; one submission).

Submission:

GeneDx
Classification: Uncertain significance. Last evaluated: 2024-10-07. Review status: criteria provided, single submitter. Criteria: GeneDx Variant Classification Process June 2021. Collection method: clinical testing. Allele origin: germline. Affected: yes.
Comment: Not observed at significant frequency in large population cohorts (gnomAD); In-frame duplication of 6 amino acid(s) in a non-repeat region; Has not been previously published as pathogenic or benign to our knowledge